The following is an entry in ClinVar:

ClinVar aggregate classification (germline): Pathogenic (1 of 4 stars; one submission).

Conditions:
Epidermolysis bullosa simplex 3, localized or generalized intermediate, with BP230 deficiency (EBS3). Also called: Epidermolysis bullosa simplex, autosomal recessive 2; Epidermolysis bullosa simplex due to BP230 deficiency. Identifiers: Orphanet 412181, MedGen C3809470, MONDO:0014180, OMIM 615425.
Hereditary sensory and autonomic neuropathy type 6. Also called: HSAN VI; Neuropathy, hereditary sensory and autonomic, type VI. Identifiers: Orphanet 314381, MedGen C3539003, MONDO:0013839, OMIM 614653.

Allele frequency attached by ClinVar (database versions not stated): gnomAD exomes below 0.00001.

Submission:

Labcorp Genetics (formerly Invitae), Labcorp
Classification: Pathogenic for Epidermolysis bullosa simplex 3, localized or generalized intermediate, with BP230 deficiency; Hereditary sensory and autonomic neuropathy type 6. Last evaluated: 2023-01-21. Review status: criteria provided, single submitter. Criteria: Invitae Variant Classification Sherloc (09022015). Collection method: clinical testing. Allele origin: germline.
Comment: For these reasons, this variant has been classified as Pathogenic. Algorithms developed to predict the effect of sequence changes on RNA splicing suggest that this variant may disrupt the consensus splice site. This variant has not been reported in the literature in individuals affected with DST-related conditions. This variant is present in population databases (no rsID available, gnomAD 0.0009%). This sequence change creates a premature translational stop signal (p.Asp843Valfs*3) in the DST gene. It is expected to result in an absent or disrupted protein product. Loss-of-function variants in DST are known to be pathogenic (PMID: 22522446, 25059916, 30371979).

Literature cited by the submitters: PubMed 22522446; PubMed 25059916; PubMed 30371979.

NM_001374736.1(DST):c.4139del (p.Asp1380fs)

Gene: DST (dystonin; minus strand). Cytogenetic location: 6p12.1.
Variant type: Deletion.
Coding change: c.4139del on transcript NM_001374736.1 (MANE Select); coding-DNA position 4139, one base deleted (A; older notation c.4139delA).
Protein change: p.Asp1380fs; shifts the reading frame from aspartic acid 1380.
Molecular consequence: frameshift variant.
Genome position (GRCh38, 1-based): chr6:56,631,214, T deleted on the plus strand (A on the coding strand, the reverse complement: DST is on the minus strand). VCF-style (leftmost placement, unchanged base first): chr6-56631213-AT-A. GRCh37 (hg19) VCF-style: chr6-56496011-AT-A.
Other names: c.4040del, p.Asp1347fs (NM_001144769.5); c.3626del, p.Asp1209fs (NM_001144770.2); c.4139del, p.Asp1380fs (NM_001374722.1); c.3506del, p.Asp1169fs (NM_001374729.1, NM_001374730.1, NM_001386100.1 and 1 more transcripts); c.4166del, p.Asp1389fs (NM_001374734.1); c.2528del, p.Asp843fs (NM_001723.7, NM_015548.5); short protein forms D1347fs, D843fs, D1209fs, D1380fs, D1169fs, D1389fs.
Identifiers: ClinVar variation 2942620 (VCV002942620.3), dbSNP rs1270417432, ClinGen allele CA567382109.